The following is an entry in ClinVar:

NM_005477.3(HCN4):c.902T>C (p.Val301Ala)

Genes: HCN4 (hyperpolarization activated cyclic nucleotide gated potassium channel 4; minus strand), LOC105370890 (uncharacterized LOC105370890; plus strand), LOC126862173 (CDK7 strongly-dependent group 2 enhancer GRCh37_chr15:73635762-73636961; plus strand). Cytogenetic location: 15q24.1.
Variant type: single nucleotide variant.
Coding change: c.902T>C on transcript NM_005477.3 (MANE Select); coding-DNA position 902, T replaced by C.
Protein change: p.Val301Ala; replaces valine 301 with alanine.
Molecular consequence: missense variant.
Genome position (GRCh38, 1-based): chr15:73,343,692, A>G on the plus strand (T>C on the coding strand, the complement: HCN4 is on the minus strand). VCF-style: chr15-73343692-A-G. GRCh37 (hg19) VCF-style: chr15-73636033-A-G.
Other names: short protein forms V301A.
Identifiers: ClinVar variation 4778375 (VCV004778375.1).
Genomic context (GRCh38, chr15:73,343,692, plus strand): 5'-TCCACCACGATCCCTGTGCGGAAGTTGAGGACCAAGTCGATGAGGAAGAATGTGTCTGAC[A>G]CCACATTGAAGACAATCCAGGGTGTGGTGTTCTCATCCTTGAAGAAGGTGATGCCCACAG-3'
Protein context (NP_005468.1, residues 291-311): NTTPWIVFNV[Val301Ala]SDTFFLIDLV

ClinVar aggregate classification (germline): Uncertain significance (1 of 4 stars; one submission).

Conditions:
Brugada syndrome 8 (BRGDA8). Identifiers: Orphanet 130, MedGen C2751083, MONDO:0013148, OMIM 613123.

Submission:

Labcorp Genetics (formerly Invitae), Labcorp
Classification: Uncertain significance for Brugada syndrome 8. Last evaluated: 2025-08-17. Review status: criteria provided, single submitter. Criteria: Invitae Variant Classification Sherloc (09022015). Collection method: clinical testing. Allele origin: germline.
Comment: This sequence change replaces valine, which is neutral and non-polar, with alanine, which is neutral and non-polar, at codon 301 of the HCN4 protein (p.Val301Ala). This variant is not present in population databases (gnomAD no frequency). This variant has not been reported in the literature in individuals affected with HCN4-related conditions. Invitae Evidence Modeling of protein sequence and biophysical properties (such as structural, functional, and spatial information, amino acid conservation, physicochemical variation, residue mobility, and thermodynamic stability) indicates that this missense variant is not expected to disrupt HCN4 protein function with a negative predictive value of 95%. In summary, the available evidence is currently insufficient to determine the role of this variant in disease. Therefore, it has been classified as a Variant of Uncertain Significance.